The following is an entry in ClinVar:

ClinVar aggregate classification (germline): Uncertain significance (1 of 4 stars; one submission).

Conditions:
Hypertrophic cardiomyopathy 14. Identifiers: MedGen C2750467, MONDO:0013197, OMIM 613251.

gnomAD v4.1: 2 of 1,614,144 alleles (0.00012%); highest among the groups gnomAD compares: Non-Finnish European, 0.00017%; no homozygotes.

Submission:

Labcorp Genetics (formerly Invitae), Labcorp
Classification: Uncertain significance for Hypertrophic cardiomyopathy 14. Last evaluated: 2022-07-11. Review status: criteria provided, single submitter. Criteria: Invitae Variant Classification Sherloc (09022015). Collection method: clinical testing. Allele origin: germline.
Comment: In summary, the available evidence is currently insufficient to determine the role of this variant in disease. Therefore, it has been classified as a Variant of Uncertain Significance. Algorithms developed to predict the effect of missense changes on protein structure and function are either unavailable or do not agree on the potential impact of this missense change (SIFT: "Deleterious"; PolyPhen-2: "Possibly Damaging"; Align-GVGD: "Class C0"). ClinVar contains an entry for this variant (Variation ID: 1022727). This missense change has been observed in individual(s) with dilated cardiomyopathy (PMID: 31514951). This variant is not present in population databases (gnomAD no frequency). This sequence change replaces leucine, which is neutral and non-polar, with arginine, which is basic and polar, at codon 1690 of the MYH6 protein (p.Leu1690Arg).

Literature cited by the submitters: PubMed 31514951.

NM_002471.4(MYH6):c.5069T>G (p.Leu1690Arg)

Genes: MYH6 (myosin heavy chain 6; minus strand), LOC126861896 (BRD4-independent group 4 enhancer GRCh37_chr14:23854904-23856103; plus strand). Cytogenetic location: 14q11.2.
Variant type: single nucleotide variant.
Coding change: c.5069T>G on transcript NM_002471.4 (MANE Select); coding-DNA position 5069, T replaced by G.
Protein change: p.Leu1690Arg; replaces leucine 1690 with arginine.
Molecular consequence: missense variant.
Genome position (GRCh38, 1-based): chr14:23,386,022, A>C on the plus strand (T>G on the coding strand, the complement: MYH6 is on the minus strand). VCF-style: chr14-23386022-A-C. GRCh37 (hg19) VCF-style: chr14-23855231-A-C.
Other names: short protein forms L1690R.
Identifiers: ClinVar variation 1022727 (VCV001022727.9), dbSNP rs1421693475, ClinGen allele CA388989973.
Genomic context (GRCh38, chr14:23,386,022, plus strand): 5'-TCAATCAGCTCCTGCTCCGCCAGCTTCCGGGACCGCTCTGTCTGCTCCACCACGGCACGC[A>C]GCTCCTCCAGCTCAGCCTGCAGCAGGTTGTTGCGCCGCTCCACGATGGCGATGTTCTCCT-3'
Protein context (NP_002462.2, residues 1680-1700): NNLLQAELEE[Leu1690Arg]RAVVEQTERS